The following is an entry in ClinVar:

ClinVar aggregate classification (germline): Conflicting classifications of pathogenicity. Review status: criteria provided, conflicting classifications (1 of 4 stars). 7 submissions from 7 submitters: Uncertain significance (1); Benign (3); Likely benign (2). 1 of the submissions does not count toward it. Last evaluated 2026-06-01.

Conditions:
Microcephalic osteodysplastic primordial dwarfism type II (MOPD2). Also called: Microcephalic osteodysplastic primordial dwarfism with tooth abnormalities; MOPD II; OSTEODYSPLASTIC PRIMORDIAL DWARFISM, TYPE II. Identifiers: Orphanet 2637, MedGen C0432246, MONDO:0008872, OMIM 210720.
PCNT-related disorder. Also called: PCNT-related condition.

Allele frequency attached by ClinVar (database versions not stated): gnomAD 0.00289 and 0.00298; gnomAD exomes 0.00372; ExAC 0.00384; TOPMed 0.00171; 1000 Genomes Project 30x 0.00172; 1000 Genomes Project 0.00180; ESP Exome Variant Server 0.00223.
gnomAD v4.1: 4,561 of 1,587,530 alleles (0.29%); highest among the groups gnomAD compares: South Asian, 0.8%; 27 homozygotes.

Submissions (7):

CeGaT Center for Human Genetics Tuebingen
Classification: Likely benign. Last evaluated: 2026-06-01. Review status: criteria provided, single submitter. Criteria: CeGaT Center For Human Genetics Tuebingen Variant Classification Criteria Version 2. Collection method: clinical testing. Allele origin: germline. Affected: yes. Observed: 4 variant alleles.
Comment: PCNT: BP4, BP7, BS2

Labcorp Genetics (formerly Invitae), Labcorp
Classification: Benign. Last evaluated: 2026-01-25. Review status: criteria provided, single submitter. Criteria: Invitae Variant Classification Sherloc (09022015). Collection method: clinical testing. Allele origin: germline.

ARUP Laboratories, Molecular Genetics and Genomics, ARUP Laboratories
Classification: Benign for Microcephalic osteodysplastic primordial dwarfism type II. Last evaluated: 2020-06-22. Review status: criteria provided, single submitter. Criteria: ARUP Molecular Germline Variant Investigation Process. Collection method: clinical testing. Allele origin: germline.

GeneDx
Classification: Benign. Last evaluated: 2018-05-02. Review status: criteria provided, single submitter. Criteria: GeneDx Variant Classification Process June 2021. Collection method: clinical testing. Allele origin: germline. Affected: yes.

Illumina Laboratory Services, Illumina
Classification: Likely benign for Microcephalic osteodysplastic primordial dwarfism type II. Last evaluated: 2018-01-13. Review status: criteria provided, single submitter. Criteria: ICSL Variant Classification Criteria 13 December 2019. Collection method: clinical testing. Allele origin: germline.
Comment: This variant was observed in the ICSL laboratory as part of a predisposition screen in an ostensibly healthy population. It had not been previously curated by ICSL or reported in the Human Gene Mutation Database (HGMD: prior to June 1st, 2018), and was therefore a candidate for classification through an automated scoring system. Utilizing variant allele frequency, disease prevalence and penetrance estimates, and inheritance mode, an automated score was calculated to assess if this variant is too frequent to cause the disease. Based on the score and internal cut-off values, a variant classified as likely benign is not then subjected to further curation. The score for this variant resulted in a classification of likely benign for this disease.

Genetic Services Laboratory, University of Chicago
Classification: Uncertain significance. Last evaluated: 2014-10-21. Review status: criteria provided, single submitter. Criteria: ACMG Guidelines, 2015. Collection method: clinical testing. Allele origin: germline.

PreventionGenetics, part of Exact Sciences
Classification: Benign for PCNT-related condition. Last evaluated: 2019-06-10. Review status: no assertion criteria provided. Collection method: clinical testing. Allele origin: germline. Not counted in ClinVar's aggregate classification.
Comment: This variant is classified as benign based on ACMG/AMP sequence variant interpretation guidelines (Richards et al. 2015 PMID: 25741868, with internal and published modifications).

NM_006031.6(PCNT):c.6933C>T (p.Val2311=)

Gene: PCNT (pericentrin; plus strand). Cytogenetic location: 21q22.3.
Variant type: single nucleotide variant.
Coding change: c.6933C>T on transcript NM_006031.6 (MANE Select); coding-DNA position 6933, C replaced by T.
Protein change: p.Val2311=; no amino-acid change (valine 2311 retained).
Molecular consequence: synonymous variant.
Genome position (GRCh38, 1-based): chr21:46,418,215, C>T. VCF-style: chr21-46418215-C-T. GRCh37 (hg19) VCF-style: chr21-47838129-C-T.
Other names: c.6579C>T, p.Val2193= (NM_001315529.2).
Identifiers: ClinVar variation 211876 (VCV000211876.59), dbSNP rs148444313, ClinGen allele CA208549.